The following is an entry in ClinVar:

NM_024642.5(GALNT12):c.1532C>A (p.Ala511Glu)

Gene: GALNT12 (polypeptide N-acetylgalactosaminyltransferase 12; plus strand). Cytogenetic location: 9q22.33.
Variant type: single nucleotide variant.
Coding change: c.1532C>A on transcript NM_024642.5 (MANE Select); coding-DNA position 1532, C replaced by A.
Protein change: p.Ala511Glu; replaces alanine 511 with glutamic acid.
Molecular consequence: missense variant.
Genome position (GRCh38, 1-based): chr9:98,846,050, C>A. VCF-style: chr9-98846050-C-A. GRCh37 (hg19) VCF-style: chr9-101608332-C-A.
Other names: short protein forms A511E.
Identifiers: ClinVar variation 3280575 (VCV003280575.1).
Genomic context (GRCh38, chr9:98,846,050, plus strand): 5'-CGTCCCAGAAAGAAATACGCTATAACACCCACCAGCCTGAGGGCTGCATTGCTGTGGAAG[C>A]AGGAATGGATACCCTTATCATGCATCTCTGCGAAGAAACTGCCCCAGAGAATCAGAAGTT-3'
Protein context (NP_078918.3, residues 501-521): HQPEGCIAVE[Ala511Glu]GMDTLIMHLC

ClinVar aggregate classification (germline): Uncertain significance (1 of 4 stars; one submission).

Submission:

Ambry Genetics
Classification: Uncertain significance. Last evaluated: 2024-04-28. Review status: criteria provided, single submitter. Criteria: Ambry Variant Classification Scheme 2023. Collection method: clinical testing. Allele origin: germline.
Comment: The p.A511E variant (also known as c.1532C>A), located in coding exon 9 of the GALNT12 gene, results from a C to A substitution at nucleotide position 1532. The alanine at codon 511 is replaced by glutamic acid, an amino acid with dissimilar properties. This amino acid position is conserved. In addition, this alteration is predicted to be tolerated by in silico analysis. Based on the available evidence, the clinical significance of this variant remains unclear.